The following is an entry in ClinVar:

NM_000038.6(APC):c.1288delinsAA (p.Gly430fs)

Gene: APC (APC regulator of Wnt signaling pathway; plus strand). Cytogenetic location: 5q22.2.
Variant type: Indel.
Coding change: c.1288delinsAA on transcript NM_000038.6 (MANE Select); coding-DNA position 1288, G replaced by AA.
Protein change: p.Gly430fs; shifts the reading frame from glycine 430.
Molecular consequence: frameshift variant. On other transcripts: non-coding transcript variant (2).
Genome position (GRCh38, 1-based): chr5:112,819,320, G replaced by AA. VCF-style: chr5-112819320-G-AA. GRCh37 (hg19) VCF-style: chr5-112155017-G-AA.
Other names: c.1288delinsAA, p.Gly430fs (NM_001127510.3, NM_001354895.2, NM_001354896.2 and 4 more transcripts); c.1234delinsAA, p.Gly412fs (NM_001127511.3); c.1318delinsAA, p.Gly440fs (NM_001354897.2, NM_001407446.1); c.1213delinsAA, p.Gly405fs (NM_001354898.2, NM_001407451.1); c.1204delinsAA, p.Gly402fs (NM_001354899.2, NM_001407452.1); c.1111delinsAA, p.Gly371fs (NM_001354900.2, NM_001354901.2, NM_001407453.1); c.1015delinsAA, p.Gly339fs (NM_001354902.2); c.985delinsAA, p.Gly329fs (NM_001354903.2, NM_001407454.1, NM_001407455.1 and 5 more transcripts); and 5 more; short protein forms G301fs, G402fs, G405fs, G430fs, G46fs, G270fs, G371fs, G440fs.
Identifiers: ClinVar variation 3929765 (VCV003929765.1).

ClinVar aggregate classification (germline): Pathogenic (1 of 4 stars; one submission).

Conditions:
Hereditary cancer-predisposing syndrome. Also called: Hereditary Cancer Syndrome; Hereditary neoplastic syndrome; Neoplastic Syndromes, Hereditary; Tumor predisposition. Identifiers: Orphanet 140162, MedGen C0027672, MeSH D009386, MONDO:0015356.

Submission:

Ambry Genetics
Classification: Pathogenic for Hereditary cancer-predisposing syndrome. Last evaluated: 2025-06-13. Review status: criteria provided, single submitter. Criteria: Ambry Variant Classification Scheme 2023. Collection method: clinical testing. Allele origin: germline.
Comment: The c.1288delGinsAA pathogenic mutation, located in coding exon 9 of the APC gene, results from the deletion of one nucleotide and insertion of two nucleotides causing a translational frameshift with a predicted alternate stop codon (p.G430Kfs*14). This variant is considered to be rare based on population cohorts in the Genome Aggregation Database (gnomAD). This alteration is expected to result in loss of function by premature protein truncation or nonsense-mediated mRNA decay. As such, this alteration is interpreted as a disease-causing mutation.